The following is an entry in ClinVar:

NM_000051.4(ATM):c.663-3C>G

Gene: ATM (ATM serine/threonine kinase; plus strand). Cytogenetic location: 11q22.3.
Variant type: single nucleotide variant.
Coding change: c.663-3C>G on transcript NM_000051.4 (MANE Select); 3 bases into the intron before coding-DNA position 663, C replaced by G.
Molecular consequence: intron variant.
Genome position (GRCh38, 1-based): chr11:108,244,785, C>G. VCF-style: chr11-108244785-C-G. GRCh37 (hg19) VCF-style: chr11-108115512-C-G.
Other names: c.663-3C>G (NM_001351834.2).
Identifiers: ClinVar variation 849932 (VCV000849932.10), dbSNP rs2079752506, ClinGen allele CA916080472.
Genomic context (GRCh38, chr11:108,244,785, plus strand): 5'-TGTTCAGTTTGTACAGTTTGTTCCCCCTGTTATACCCAGTTGAGCTTGTTTGTTTCTTCA[C>G]AGACAAGAAAAGAGCTCTTCAGGTCTAAATCATATCTTAGCAGCTCTTACTATCTTCCTC-3'

ClinVar aggregate classification (germline): Uncertain significance. Review status: criteria provided, multiple submitters, no conflicts (2 of 4 stars). 3 submissions from 3 submitters: Uncertain significance (3). Last evaluated 2025-10-22.

Conditions:
Hereditary cancer-predisposing syndrome. Also called: Neoplastic Syndromes, Hereditary; Hereditary neoplastic syndrome; Tumor predisposition; Hereditary Cancer Syndrome. Identifiers: Orphanet 140162, MedGen C0027672, MeSH D009386, MONDO:0015356.
ATM-related cancer predisposition. Also called: ATM-related cancer susceptibility. Identifiers: MedGen CN377759, MONDO:0700270.
Ataxia-telangiectasia syndrome (AT). Also called: Ataxia-telangiectasia, complementation group D; AT, COMPLEMENTATION GROUP C; ATAXIA-TELANGIECTASIA, COMPLEMENTATION GROUP A; ATAXIA-TELANGIECTASIA, FRESNO VARIANT; Ataxia-telangiectasia; LOUIS-BAR SYNDROME. Identifiers: Orphanet 100, MedGen C0004135, MONDO:0008840, OMIM 208900.

Submissions (3):

Dasa
Classification: Uncertain significance for ATM-related cancer predisposition. Last evaluated: 2025-10-22. Review status: criteria provided, single submitter. Criteria: DASA Assertion Criteria. Collection method: clinical testing. Allele origin: germline.
Comment: NM_000051.4(ATM):c.663-3C>G is a splice-region variant predicted to affect normal RNA splicing. This variant is absent from population databases. Computational prediction algorithms are consistent with a deleterious effect. The currently available literature and clinical evidence are not sufficient to establish a definitive association between this variant and the reported condition. Therefore, this variant is classified as a variant of uncertain significance.

Ambry Genetics
Classification: Uncertain significance for Hereditary cancer-predisposing syndrome. Last evaluated: 2024-01-05. Review status: criteria provided, single submitter. Criteria: Ambry Variant Classification Scheme 2023. Collection method: clinical testing. Allele origin: germline.
Comment: The c.663-3C>G intronic variant results from a C to G substitution 3 nucleotides upstream from coding exon 6 in the ATM gene. This nucleotide position is highly conserved in available vertebrate species. In silico splice site analysis predicts that this alteration will weaken the native splice acceptor site and will result in the creation or strengthening of a novel splice acceptor site; however, direct evidence is insufficient at this time (Ambry internal data). Since supporting evidence is limited at this time, the clinical significance of this alteration remains unclear.

Labcorp Genetics (formerly Invitae), Labcorp
Classification: Uncertain significance for Ataxia-telangiectasia syndrome. Last evaluated: 2019-12-26. Review status: criteria provided, single submitter. Criteria: Invitae Variant Classification Sherloc (09022015). Collection method: clinical testing. Allele origin: germline.
Comment: In summary, the available evidence is currently insufficient to determine the role of this variant in disease. Therefore, it has been classified as a Variant of Uncertain Significance. Nucleotide substitutions within the consensus splice site are a relatively common cause of aberrant splicing (PMID: 17576681, 9536098). Algorithms developed to predict the effect of sequence changes on RNA splicing suggest that this variant may disrupt the consensus splice site, but this prediction has not been confirmed by published transcriptional studies. This variant has not been reported in the literature in individuals with ATM-related conditions. This variant is not present in population databases (ExAC no frequency). This sequence change falls in intron 6 of the ATM gene. It does not directly change the encoded amino acid sequence of the ATM protein, but it affects a nucleotide within the consensus splice site of the intron.

Literature cited by the submitters: PubMed 17576681 (cited by Labcorp Genetics (formerly Invitae), Labcorp); PubMed 9536098 (cited by Labcorp Genetics (formerly Invitae), Labcorp).